The following is an entry in ClinVar:

NM_021831.6(AGBL5):c.553C>A (p.Pro185Thr)

Gene: AGBL5 (AGBL carboxypeptidase 5; plus strand). Cytogenetic location: 2p23.3.
Variant type: single nucleotide variant.
Coding change: c.553C>A on transcript NM_021831.6 (MANE Select); coding-DNA position 553, C replaced by A.
Protein change: p.Pro185Thr; replaces proline 185 with threonine.
Molecular consequence: missense variant. On other transcripts: non-coding transcript variant (2).
Genome position (GRCh38, 1-based): chr2:27,054,631, C>A. VCF-style: chr2-27054631-C-A. GRCh37 (hg19) VCF-style: chr2-27277499-C-A.
Other names: c.553C>A, p.Pro185Thr (NM_001035507.3); short protein forms P185T.
Identifiers: ClinVar variation 1488834 (VCV001488834.6), dbSNP rs185431140, ClinGen allele CA346172772.

ClinVar aggregate classification (germline): Uncertain significance (1 of 4 stars; one submission).

gnomAD v4.1: 13 of 1,612,514 alleles (0.00081%); highest among the groups gnomAD compares: Non-Finnish European, 0.00093%; no homozygotes.

Submission:

Labcorp Genetics (formerly Invitae), Labcorp
Classification: Uncertain significance. Last evaluated: 2022-08-22. Review status: criteria provided, single submitter. Criteria: Invitae Variant Classification Sherloc (09022015). Collection method: clinical testing. Allele origin: germline.
Comment: Algorithms developed to predict the effect of missense changes on protein structure and function (SIFT, PolyPhen-2, Align-GVGD) all suggest that this variant is likely to be tolerated. In summary, the available evidence is currently insufficient to determine the role of this variant in disease. Therefore, it has been classified as a Variant of Uncertain Significance. ClinVar contains an entry for this variant (Variation ID: 1488834). This variant has not been reported in the literature in individuals affected with AGBL5-related conditions. This variant is not present in population databases (gnomAD no frequency). This sequence change replaces proline, which is neutral and non-polar, with threonine, which is neutral and polar, at codon 185 of the AGBL5 protein (p.Pro185Thr).